The following is an entry in ClinVar:

NM_001134363.3(RBM20):c.530C>T (p.Thr177Ile)

Gene: RBM20 (RNA binding motif protein 20; plus strand). Cytogenetic location: 10q25.2.
Variant type: single nucleotide variant.
Coding change: c.530C>T on transcript NM_001134363.3 (MANE Select); coding-DNA position 530, C replaced by T.
Protein change: p.Thr177Ile; replaces threonine 177 with isoleucine.
Molecular consequence: missense variant.
Genome position (GRCh38, 1-based): chr10:110,781,139, C>T. VCF-style: chr10-110781139-C-T. GRCh37 (hg19) VCF-style: chr10-112540897-C-T.
Other names: short protein forms T177I.
Identifiers: ClinVar variation 44024 (VCV000044024.42), dbSNP rs183130427, ClinGen allele CA133408.

ClinVar aggregate classification (germline): Conflicting classifications of pathogenicity. Review status: criteria provided, conflicting classifications (1 of 4 stars). 15 submissions from 15 submitters: Uncertain significance (2); Benign (4); Likely benign (6). 3 of the submissions do not count toward it. Last evaluated 2026-01-19.

Conditions:
Cardiovascular phenotype. Identifiers: MedGen CN230736.
Cardiomyopathy (CMYO). Also called: Cardiomyopathies. Identifiers: Orphanet 167848, MedGen C0878544, MONDO:0004994, HP:0001638. Inheritance: Various modes of inheritance.
Dilated cardiomyopathy 1DD (CMD1DD). Identifiers: Orphanet 154, MedGen C2750995, MONDO:0013168, OMIM 613172.

Allele frequency attached by ClinVar (database versions not stated): gnomAD exomes 0.00033; ExAC 0.00097; gnomAD 0.00108; TOPMed 0.00142; 1000 Genomes Project 30x 0.00156; 1000 Genomes Project 0.00160.
gnomAD v4.1: 390 of 1,551,724 alleles (0.025%); highest among the groups gnomAD compares: African/African-American, 0.5%; 2 homozygotes.

Submissions (15):

Labcorp Genetics (formerly Invitae), Labcorp
Classification: Benign for Dilated cardiomyopathy 1DD. Last evaluated: 2026-01-19. Review status: criteria provided, single submitter. Criteria: Invitae Variant Classification Sherloc (09022015). Collection method: clinical testing. Allele origin: germline.

Molecular Diagnostic Laboratory for Inherited Cardiovascular Disease, Montreal Heart Institute
Classification: Likely benign. Last evaluated: 2025-07-24. Review status: criteria provided, single submitter. Criteria: ACMG Guidelines, 2015. Collection method: clinical testing. Allele origin: germline. Affected: no.
Comment: BS1;BP4

CeGaT Center for Human Genetics Tuebingen
Classification: Likely benign. Last evaluated: 2025-07-01. Review status: criteria provided, single submitter. Criteria: CeGaT Center For Human Genetics Tuebingen Variant Classification Criteria Version 2. Collection method: clinical testing. Allele origin: germline. Affected: yes. Observed: 1 variant allele.
Comment: RBM20: PM5, BP4, BS2

Blueprint Genetics
Classification: Likely benign. Last evaluated: 2024-06-05. Review status: criteria provided, single submitter. Criteria: ACMG Guidelines, 2015. Collection method: clinical testing. Allele origin: germline.

Women's Health and Genetics/Laboratory Corporation of America, LabCorp
Classification: Likely benign. Last evaluated: 2023-08-19. Review status: criteria provided, single submitter. Criteria: LabCorp Variant Classification Summary - May 2015. Collection method: clinical testing. Allele origin: germline.

Center for Genomics, Ann and Robert H. Lurie Children's Hospital of Chicago
Classification: Uncertain significance for Dilated cardiomyopathy 1DD. Last evaluated: 2021-03-30. Review status: criteria provided, single submitter. Criteria: ACMG Guidelines, 2015. Collection method: clinical testing. Allele origin: germline.
Comment: RBM20 NM_001134363.2 exon 2 p.Thr177Ile (c.530C>T): This variant has not been reported in the literature and is present in 0.5% (84/16618) of African alleles in the Genome Aggregation Database. This variant is also present in ClinVar, with several labs classifying this variant as benign or likely benign (Variation ID:44024). Evolutionary conservation and computational predictive tools suggest that this variant may not impact the protein. In summary, data on this variant suggests that this variant does not cause disease, but requires further evidence. Therefore this variant is classified as likely benign.

GeneDx
Classification: Likely benign. Last evaluated: 2020-12-10. Review status: criteria provided, single submitter. Criteria: GeneDx Variant Classification Process June 2021. Collection method: clinical testing. Allele origin: germline. Affected: yes.

Center for Advanced Laboratory Medicine, UC San Diego Health, University of California San Diego
Classification: Benign for Cardiomyopathy. Last evaluated: 2019-04-17. Review status: criteria provided, single submitter. Criteria: ACMG Guidelines, 2015. Collection method: clinical testing. Allele origin: germline. Affected: yes. Observed: 1 variant allele.

CHEO Genetics Diagnostic Laboratory, Children's Hospital of Eastern Ontario
Classification: Benign for Cardiomyopathy. Last evaluated: 2019-01-11. Review status: criteria provided, single submitter. Criteria: ACMG Guidelines, 2015. Collection method: clinical testing. Allele origin: germline.

Ambry Genetics
Classification: Benign for Cardiovascular phenotype. Last evaluated: 2015-10-28. Review status: criteria provided, single submitter. Criteria: Ambry Variant Classification Scheme 2023. Collection method: clinical testing. Allele origin: germline.

Eurofins Ntd Llc (ga)
Classification: Uncertain significance. Last evaluated: 2014-05-28. Review status: criteria provided, single submitter. Criteria: EGL Classification Definitions 2015. Collection method: clinical testing. Allele origin: germline. Observed: 1 variant allele, 1 heterozygote.

Laboratory for Molecular Medicine, Mass General Brigham Personalized Medicine
Classification: Likely benign. Last evaluated: 2013-09-26. Review status: criteria provided, single submitter. Criteria: LMM Criteria. Collection method: clinical testing. Allele origin: germline. Observed: 3 variant alleles.
Comment: Thr177Ile in exon 2 of RBM20: This variant is not expected to have clinical sign ificance because it has been identified in 1.7% (3/176) of Yoruba (African) chro mosomes by the 1000 Genomes project (dbSNP rs183130427). Thr177Ile in exon 2 of RBM20 (rs183130427; allele frequency = 1.7%, 3/176)

Clinical Genetics DNA and cytogenetics Diagnostics Lab, Erasmus MC, Erasmus Medical Center
Classification: Benign. Review status: no assertion criteria provided. Collection method: clinical testing. Allele origin: germline. Affected: yes. Study: VKGL Data-share Consensus. Not counted in ClinVar's aggregate classification.

Clinical Genetics, Academic Medical Center
Classification: Benign. Review status: no assertion criteria provided. Collection method: clinical testing. Allele origin: germline. Affected: yes. Study: VKGL Data-share Consensus. Not counted in ClinVar's aggregate classification.

Genome Diagnostics Laboratory, University Medical Center Utrecht
Classification: Likely benign. Review status: no assertion criteria provided. Collection method: clinical testing. Allele origin: germline. Affected: yes. Study: VKGL Data-share Consensus. Not counted in ClinVar's aggregate classification.